The following is an entry in ClinVar:

NM_000145.4(FSHR):c.446+10T>C

Gene: FSHR (follicle stimulating hormone receptor; minus strand). Cytogenetic location: 2p16.3.
Variant type: single nucleotide variant.
Coding change: c.446+10T>C on transcript NM_000145.4 (MANE Select); 10 bases into the intron after coding-DNA position 446, T replaced by C.
Molecular consequence: intron variant.
Genome position (GRCh38, 1-based): chr2:48,990,556, A>G on the plus strand (T>C on the coding strand, the complement: FSHR is on the minus strand). VCF-style: chr2-48990556-A-G. GRCh37 (hg19) VCF-style: chr2-49217695-A-G.
Other names: c.446+10T>C (NM_181446.3).
Identifiers: ClinVar variation 336490 (VCV000336490.13), dbSNP rs200504733, ClinGen allele CA1653951.

ClinVar aggregate classification (germline): Conflicting classifications of pathogenicity. Review status: criteria provided, conflicting classifications (1 of 4 stars). 5 submissions from 4 submitters: Uncertain significance (1); Benign (1); Likely benign (2). 1 of the submissions does not count toward it. Last evaluated 2018-10-23.

Conditions:
FSHR-related disorder. Also called: FSHR-related condition; FSHR-related disorders.
Ovarian hyperstimulation syndrome (OHSS). Also called: OVARIAN HYPERSTIMULATION SYNDROME, FAMILIAL GESTATIONAL SPONTANEOUS. Identifiers: Orphanet 64739, MedGen C0085083, MONDO:0011972, OMIM 608115.
Ovarian dysgenesis 1 (ODG1). Also called: GONADAL DYSGENESIS, XX TYPE; OVARIAN DYSGENESIS, HYPERGONADOTROPIC, AUTOSOMAL RECESSIVE; OVARIAN DYSGENESIS, HYPERGONADOTROPIC, WITH NORMAL KARYOTYPE; OVARIAN FAILURE, HYPERGONADOTROPIC; Gonadal dysgenesis XX type deafness. Identifiers: Orphanet 243, MedGen C0949595, MONDO:0024463, OMIM 233300.

Allele frequency attached by ClinVar (database versions not stated): gnomAD 0.00016 and 0.00023; TOPMed 0.00016; 1000 Genomes Project 30x 0.00031; 1000 Genomes Project 0.00040; gnomAD exomes 0.00043 and 0.00054; ExAC 0.00056.
gnomAD v4.1: 630 of 1,587,566 alleles (0.04%); highest among the groups gnomAD compares: East Asian, 1.4%; 10 homozygotes.

Submissions (5):

Labcorp Genetics (formerly Invitae), Labcorp
Classification: Benign. Last evaluated: 2018-10-23. Review status: criteria provided, single submitter. Criteria: Invitae Variant Classification Sherloc (09022015). Collection method: clinical testing. Allele origin: germline.

Eurofins Ntd Llc (ga)
Classification: Likely benign. Last evaluated: 2018-04-16. Review status: criteria provided, single submitter. Criteria: EGL ClinVar v180209 classification definitions. Collection method: clinical testing. Allele origin: germline. Observed: 1 variant allele, 1 heterozygote.

Illumina Laboratory Services, Illumina
Classification: Uncertain significance for Ovarian dysgenesis 1. Last evaluated: 2018-01-12. Review status: criteria provided, single submitter. Criteria: ICSL Variant Classification Criteria 13 December 2019. Collection method: clinical testing. Allele origin: germline.

Illumina Laboratory Services, Illumina
Classification: Likely benign for Ovarian hyperstimulation syndrome. Last evaluated: 2018-01-12. Review status: criteria provided, single submitter. Criteria: ICSL Variant Classification Criteria 13 December 2019. Collection method: clinical testing. Allele origin: germline.
Comment: This variant was observed in the ICSL laboratory as part of a predisposition screen in an ostensibly healthy population. It had not been previously curated by ICSL or reported in the Human Gene Mutation Database (HGMD: prior to June 1st, 2018), and was therefore a candidate for classification through an automated scoring system. Utilizing variant allele frequency, disease prevalence and penetrance estimates, and inheritance mode, an automated score was calculated to assess if this variant is too frequent to cause the disease. Based on the score and internal cut-off values, a variant classified as likely benign is not then subjected to further curation. The score for this variant resulted in a classification of likely benign for this disease.

PreventionGenetics, part of Exact Sciences
Classification: Likely benign for FSHR-related condition. Last evaluated: 2024-08-13. Review status: no assertion criteria provided. Collection method: clinical testing. Allele origin: germline. Not counted in ClinVar's aggregate classification.
Comment: This variant is classified as likely benign based on ACMG/AMP sequence variant interpretation guidelines (Richards et al. 2015 PMID: 25741868, with internal and published modifications).